The following is an entry in ClinVar:

ClinVar aggregate classification (germline): Uncertain significance (1 of 4 stars; one submission).

Conditions:
Developmental and epileptic encephalopathy, 43 (DEE43). Also called: Epileptic encephalopathy, early infantile, 43. Identifiers: MedGen C4310712, MONDO:0014921, OMIM 617113.

Submission:

Victorian Clinical Genetics Services, Murdoch Childrens Research Institute
Classification: Uncertain significance for Developmental and epileptic encephalopathy, 43. Last evaluated: 2026-03-17. Review status: criteria provided, single submitter. Criteria: ACMG Guidelines, 2015. Collection method: clinical testing. Allele origin: germline. Affected: yes.
Comment: This variant is classified as VUS-3A. Evidence in support of pathogenic classification: Variant is absent from gnomAD (v2, v3 and v4); Missense variant predicted to be damaging by in silico tool and highly conserved with a major amino acid change. Abnormal splicing is not predicted. Additional information: Variant is predicted to result in a missense amino acid change from Gly to Arg. This variant also affects the last nucleotide of exon 6/9, and could impact splicing; This variant is heterozygous; This gene is associated with autosomal dominant disease; This variant has no previous evidence of pathogenicity; No published evidence of segregation with disease has been identified for this variant; No published functional evidence has been identified for this variant; No comparable missense variants have previous evidence for pathogenicity; Variant is located in the annotated neurotransmitter-gated ion-channel ligand binding domain (DECIPHER). - Loss of function and gain of function are known mechanisms of disease in this gene and are associated with developmental and epileptic encephalopathy 43 (MIM#617113). While loss-of-function type variants have been reported, functional studies on several missense variants also demonstrated gain-of-function (PMID: 33585817); The condition associated with this gene has incomplete penetrance. Loss-of-function type variants have been reported to be inherited from unaffected parents (PMID: 28053010); Inheritance information for this variant is not currently available in this individual.

Literature cited by the submitters: PubMed 33585817; PubMed 28053010.

NM_000814.6(GABRB3):c.682G>C (p.Gly228Arg)

Gene: GABRB3 (gamma-aminobutyric acid type A receptor subunit beta3; minus strand). Cytogenetic location: 15q12.
Variant type: single nucleotide variant.
Coding change: c.682G>C on transcript NM_000814.6 (MANE Select); coding-DNA position 682, G replaced by C.
Protein change: p.Gly228Arg; replaces glycine 228 with arginine.
Molecular consequence: missense variant.
Genome position (GRCh38, 1-based): chr15:26,580,319, C>G on the plus strand (G>C on the coding strand, the complement: GABRB3 is on the minus strand). VCF-style: chr15-26580319-C-G. GRCh37 (hg19) VCF-style: chr15-26825466-C-G.
Other names: c.427G>C, p.Gly143Arg (NM_001191320.2, NM_001278631.2); c.469G>C, p.Gly157Arg (NM_001191321.3); c.682G>C, p.Gly228Arg (NM_021912.5); short protein forms G143R, G157R, G228R.
Identifiers: ClinVar variation 4879588 (VCV004879588.1).